The following is an entry in ClinVar:

ClinVar aggregate classification (germline): Uncertain significance (1 of 4 stars; one submission).

Conditions:
Episodic ataxia type 2 (EA2). Also called: ATAXIA, EPISODIC, WITH NYSTAGMUS; ATAXIA, FAMILIAL PAROXYSMAL; CEREBELLAR ATAXIA, PAROXYSMAL, ACETAZOLAMIDE-RESPONSIVE; CEREBELLOPATHY, HEREDITARY PAROXYSMAL; ACETAZOLAMIDE-RESPONSIVE HEREDITARY PAROXYSMAL CEREBELLAR ATAXIA; EPISODIC ATAXIA, NYSTAGMUS-ASSOCIATED. Identifiers: Orphanet 97, MedGen C1720416, MONDO:0007163, OMIM 108500.
Developmental and epileptic encephalopathy, 42 (DEE42A). Also called: DEVELOPMENTAL AND EPILEPTIC ENCEPHALOPATHY 42A; EPILEPTIC ENCEPHALOPATHY, EARLY INFANTILE, 42A; Epileptic encephalopathy, early infantile, 42. Identifiers: MedGen C4310716, MONDO:0014917, OMIM 617106.

Submission:

Labcorp Genetics (formerly Invitae), Labcorp
Classification: Uncertain significance for Developmental and epileptic encephalopathy, 42; Episodic ataxia type 2. Last evaluated: 2021-05-25. Review status: criteria provided, single submitter. Criteria: Invitae Variant Classification Sherloc (09022015). Collection method: clinical testing. Allele origin: germline.
Comment: In summary, the available evidence is currently insufficient to determine the role of this variant in disease. Therefore, it has been classified as a Variant of Uncertain Significance. Algorithms developed to predict the effect of sequence changes on RNA splicing suggest that this variant may create or strengthen a splice site, but this prediction has not been confirmed by published transcriptional studies. Algorithms developed to predict the effect of missense changes on protein structure and function are either unavailable or do not agree on the potential impact of this missense change (SIFT: "Tolerated"; PolyPhen-2: "Possibly Damaging"; Align-GVGD: "Class C0"). This variant has not been reported in the literature in individuals with CACNA1A-related conditions. This variant is not present in population databases (ExAC no frequency). This sequence change replaces arginine with lysine at codon 1532 of the CACNA1A protein (p.Arg1532Lys). The arginine residue is highly conserved and there is a small physicochemical difference between arginine and lysine.

NM_001127222.2(CACNA1A):c.4592G>A (p.Arg1531Lys)

Gene: CACNA1A (calcium voltage-gated channel subunit alpha1 A; minus strand). Cytogenetic location: 19p13.13.
Variant type: single nucleotide variant.
Coding change: c.4592G>A on transcript NM_001127222.2 (MANE Select); coding-DNA position 4592, G replaced by A.
Protein change: p.Arg1531Lys; replaces arginine 1531 with lysine.
Molecular consequence: missense variant.
Genome position (GRCh38, 1-based): chr19:13,255,258, C>T on the plus strand (G>A on the coding strand, the complement: CACNA1A is on the minus strand). VCF-style: chr19-13255258-C-T. GRCh37 (hg19) VCF-style: chr19-13366072-C-T.
Other names: c.4604G>A, p.Arg1535Lys (NM_000068.4, NM_023035.3); c.4595G>A, p.Arg1532Lys (NM_001127221.2, NM_001174080.2); short protein forms R1532K, R1535K, R1531K.
Identifiers: ClinVar variation 1506961 (VCV001506961.8), dbSNP rs2144735318, ClinGen allele CA404338688.